The following is an entry in ClinVar:

NM_003924.4(PHOX2B):c.571G>A (p.Asp191Asn)

Gene: PHOX2B (paired like homeobox 2B; minus strand). Cytogenetic location: 4p13.
Variant type: single nucleotide variant.
Coding change: c.571G>A on transcript NM_003924.4 (MANE Select); coding-DNA position 571, G replaced by A.
Protein change: p.Asp191Asn; replaces aspartic acid 191 with asparagine.
Molecular consequence: missense variant.
Genome position (GRCh38, 1-based): chr4:41,746,181, C>T on the plus strand (G>A on the coding strand, the complement: PHOX2B is on the minus strand). VCF-style: chr4-41746181-C-T. GRCh37 (hg19) VCF-style: chr4-41748198-C-T.
Other names: short protein forms D191N.
Identifiers: ClinVar variation 5026635 (VCV005026635.1).

ClinVar aggregate classification (germline): Uncertain significance (1 of 4 stars; one submission).

Conditions:
Hereditary cancer-predisposing syndrome. Also called: Neoplastic Syndromes, Hereditary; Tumor predisposition; Hereditary neoplastic syndrome; Hereditary Cancer Syndrome. Identifiers: Orphanet 140162, MedGen C0027672, MeSH D009386, MONDO:0015356.

Submission:

Ambry Genetics
Classification: Uncertain significance for Hereditary cancer-predisposing syndrome. Last evaluated: 2026-08-27. Review status: criteria provided, single submitter. Criteria: Ambry Variant Classification Scheme 2023. Collection method: clinical testing. Allele origin: germline.
Comment: The p.D191N variant (also known as c.571G>A), located in coding exon 3 of the PHOX2B gene, results from a G to A substitution at nucleotide position 571. The aspartic acid at codon 191 is replaced by asparagine, an amino acid with highly similar properties. This amino acid position is conserved. In addition, this alteration is predicted to be tolerated by in silico analysis. Based on the available evidence, the clinical significance of this variant remains unclear.